The following is an entry in ClinVar:

ClinVar aggregate classification (germline): Likely benign. Review status: criteria provided, multiple submitters, no conflicts (2 of 4 stars). 2 submissions from 2 submitters: Likely benign (2). Last evaluated 2023-06-13.

Allele frequency attached by ClinVar (database versions not stated): TOPMed below 0.00001; ExAC 0.00001; gnomAD exomes 0.00001.
gnomAD v4.1: 6 of 1,612,404 alleles (0.00037%); highest among the groups gnomAD compares: South Asian, 0.0011%; no homozygotes.

Submissions (2):

Labcorp Genetics (formerly Invitae), Labcorp
Classification: Likely benign. Last evaluated: 2023-06-13. Review status: criteria provided, single submitter. Criteria: Invitae Variant Classification Sherloc (09022015). Collection method: clinical testing. Allele origin: germline.

CeGaT Center for Human Genetics Tuebingen
Classification: Likely benign. Last evaluated: 2022-08-01. Review status: criteria provided, single submitter. Criteria: CeGaT Center For Human Genetics Tuebingen Variant Classification Criteria Version 2. Collection method: clinical testing. Allele origin: germline. Affected: yes. Observed: 1 variant allele.
Comment: DNAAF4: BP4, BP7

NM_130810.4(DNAAF4):c.1011A>G (p.Leu337=)

Genes: DNAAF4 (dynein axonemal assembly factor 4; minus strand), DNAAF4-CCPG1 (DNAAF4-CCPG1 readthrough (NMD candidate); minus strand). Cytogenetic location: 15q21.3.
Variant type: single nucleotide variant.
Coding change: c.1011A>G on transcript NM_130810.4 (MANE Select); coding-DNA position 1011, A replaced by G.
Protein change: p.Leu337=; no amino-acid change (leucine 337 retained).
Molecular consequence: synonymous variant. On other transcripts: non-coding transcript variant (1).
Genome position (GRCh38, 1-based): chr15:55,434,941, T>C on the plus strand (A>G on the coding strand, the complement: DNAAF4 is on the minus strand). VCF-style: chr15-55434941-T-C. GRCh37 (hg19) VCF-style: chr15-55727139-T-C.
Other names: c.1011A>G, p.Leu337= (NM_001033559.3, NM_001033560.2).
Identifiers: ClinVar variation 1083630 (VCV001083630.32), dbSNP rs780776258, ClinGen allele CA7574859.
Genomic context (GRCh38, chr15:55,434,941, plus strand): 5'-TATATCATACATAGATATCCATACCTTAGAAGAATCTTCAATAGCCTTGTGTAAGTTTTT[T>C]AGTTTTAGGTGGCAAGCAGCCCGGTTCAAATACAATAGTGGCATCTTATTATTTAGTCTT-3'
Protein context (NP_570722.2, residues 327-347): YLNRAACHLK[Leu337=]KNLHKAIEDS